The following is an entry in ClinVar:

ClinVar aggregate classification (germline): Benign (3 of 4 stars; one submission).

Conditions:
Breast-ovarian cancer, familial, susceptibility to, 1 (BROVCA1). Also called: BRCA1 Hereditary Breast and Ovarian Cancer; OVARIAN CANCER, SUSCEPTIBILITY TO. Identifiers: Orphanet 145, MedGen C2676676, MONDO:0011450, OMIM 604370. Disease mechanism: loss of function.

Submission:

Evidence-based Network for the Interpretation of Germline Mutant Alleles (ENIGMA)
Classification: Benign for Breast-ovarian cancer, familial 1. Last evaluated: 2015-01-12. Review status: reviewed by expert panel. Criteria: ENIGMA BRCA1/2 Classification Criteria (2015). Collection method: curation. Allele origin: germline.
Comment: Class 1 not pathogenic based on frequency >1% in an outbred sampleset. Frequency 0.05 (Asian), derived from 1000 genomes (2012-04-30).

NM_007294.4(BRCA1):c.5406+603GA[5]

Gene: BRCA1 (BRCA1 DNA repair associated; minus strand). Cytogenetic location: 17q21.31.
Variant type: Microsatellite.
Coding change: c.5406+603GA[5] on transcript NM_007294.4 (MANE Select); five copies in a row of the 2-base unit GA starting at c.5406+603; the reference has six copies in a row; one copy, 2 bases deleted.
Molecular consequence: intron variant.
Genome position (GRCh38, 1-based): chr17:43,048,507-43,048,508, TC deleted on the plus strand (GA on the coding strand, the reverse complement: BRCA1 is on the minus strand); deleting any 2 consecutive bases within chr17:43,048,507-43,048,519 gives the same sequence; the position shown is the placement nearest the transcript's 3' end. VCF-style (leftmost placement, unchanged base first): chr17-43048506-TTC-T. GRCh37 (hg19) VCF-style: chr17-41200523-TTC-T.
Other names: IVS 22+613del2; c.5406+613_5406+614del (NM_007294.3); c.1953+603GA[5] (NM_001408458.1, NM_001408461.1, NM_001408464.1 and 7 more transcripts); c.4515+603GA[5] (NM_001407967.1); c.5025+603GA[5] (NM_001407959.1); c.5139+603GA[5] (NM_001407931.1, NM_001407932.1, NM_001407928.1 and 4 more transcripts); c.5262+603GA[5] (NM_001407747.1, NM_001407745.1, NM_001407737.1 and 18 more transcripts); c.5022+603GA[5] (NM_001407962.1, NM_001407960.1); and 86 more.
Identifiers: ClinVar variation 209245 (VCV000209245.2), dbSNP rs200225694, ClinGen allele CA276217.
Genomic context (GRCh38, chr17:43,048,506, plus strand): 5'-CTGCCCACCTCAGCCTCCCAAAGTGCTGGGATTACAGGCGTGAGCCACCGCACCTAGCTT[TTC>T]TCTCTCTCTCTTTTTTTTTTTTTTTAGACAAAGTCTCACTCTGTCACCCAGTCTGGAGTG-3'